The following is an entry in ClinVar:

ClinVar aggregate classification (germline): Conflicting classifications of pathogenicity. Review status: criteria provided, conflicting classifications (1 of 4 stars). 3 submissions from 3 submitters: Uncertain significance (2); Benign (1). Last evaluated 2026-01-16.

Conditions:
Familial adenomatous polyposis 2. Also called: COLORECTAL ADENOMATOUS POLYPOSIS, AUTOSOMAL RECESSIVE; ADENOMAS, MULTIPLE COLORECTAL, AUTOSOMAL RECESSIVE; MYH-associated polyposis; MUTYH Polyposis; Adenomas, multiple colorectal; MUTYH-associated polyposis. Identifiers: Orphanet 220460, Orphanet 247798, MedGen C3272841, MONDO:0012041, OMIM 608456.
Hereditary cancer-predisposing syndrome. Also called: Tumor predisposition; Neoplastic Syndromes, Hereditary; Hereditary Cancer Syndrome; Hereditary neoplastic syndrome. Identifiers: Orphanet 140162, MedGen C0027672, MeSH D009386, MONDO:0015356.

Allele frequency attached by ClinVar (database versions not stated): gnomAD exomes below 0.00001.

Submissions (3):

Labcorp Genetics (formerly Invitae), Labcorp
Classification: Uncertain significance for Familial adenomatous polyposis 2. Last evaluated: 2026-01-16. Review status: criteria provided, single submitter. Criteria: Invitae Variant Classification Sherloc (09022015). Collection method: clinical testing. Allele origin: germline.
Comment: This sequence change replaces valine, which is neutral and non-polar, with leucine, which is neutral and non-polar, at codon 81 of the MUTYH protein (p.Val81Leu). This variant is not present in population databases (gnomAD no frequency). This variant has not been reported in the literature in individuals affected with MUTYH-related conditions. ClinVar contains an entry for this variant (Variation ID: 648908). An algorithm developed to predict the effect of missense changes on protein structure and function outputs the following: PolyPhen-2: "Benign". The leucine amino acid residue is found in multiple mammalian species, which suggests that this missense change does not adversely affect protein function. In summary, the available evidence is currently insufficient to determine the role of this variant in disease. Therefore, it has been classified as a Variant of Uncertain Significance.

Color Diagnostics, LLC DBA Color Health
Classification: Uncertain significance for Hereditary cancer-predisposing syndrome. Last evaluated: 2025-10-12. Review status: criteria provided, single submitter. Criteria: ACMG Guidelines, 2015. Collection method: clinical testing. Allele origin: germline.
Comment: This missense variant replaces valine with leucine at codon 81 of the MUTYH protein. Computational prediction suggests that this variant may not impact protein structure and function. To our knowledge, functional studies have not been reported for this variant. This variant has not been reported in individuals affected with MUTYH-related disorders in the literature. This variant has been identified in 1/1461880 chromosomes in the general population by the Genome Aggregation Database (gnomAD). The available evidence is insufficient to determine the role of this variant in disease conclusively. Therefore, this variant is classified as a Variant of Uncertain Significance.

Ambry Genetics
Classification: Benign for Hereditary cancer-predisposing syndrome. Last evaluated: 2025-09-09. Review status: criteria provided, single submitter. Criteria: Ambry Variant Classification Scheme 2023. Collection method: clinical testing. Allele origin: germline.

NM_001048174.2(MUTYH):c.157G>C (p.Val53Leu)

Gene: MUTYH (mutY DNA glycosylase; minus strand). Cytogenetic location: 1p34.1.
Variant type: single nucleotide variant.
Coding change: c.157G>C on transcript NM_001048174.2 (MANE Select); coding-DNA position 157, G replaced by C.
Protein change: p.Val53Leu; replaces valine 53 with leucine.
Molecular consequence: missense variant. On other transcripts: 5 prime UTR variant (1), non-coding transcript variant (2), intron variant (3).
Genome position (GRCh38, 1-based): chr1:45,333,520, C>G on the plus strand (G>C on the coding strand, the complement: MUTYH is on the minus strand). VCF-style: chr1-45333520-C-G. GRCh37 (hg19) VCF-style: chr1-45799192-C-G.
Other names: c.157G>C, p.Val53Leu (NM_001048171.2, NM_001048173.2, NM_001293195.2); c.160G>C, p.Val54Leu (NM_001048172.2); c.241G>C, p.Val81Leu (NM_001128425.2); c.202G>C, p.Val68Leu (NM_001293190.2); c.190G>C, p.Val64Leu (NM_001293191.2); c.-115G>C (NM_001350650.2); c.232G>C, p.Val78Leu (NM_012222.3); c.-92-23G>C (NM_001350651.2); and 1 more; short protein forms V64L, V68L, V53L, V78L, V81L, V54L.
Identifiers: ClinVar variation 648908 (VCV000648908.9), dbSNP rs946755892, ClinGen allele CA21839797.
Genomic context (GRCh38, chr1:45,333,520, plus strand): 5'-GCAGGCTCCCTCGGAAGGCTGTGACTTCAGCTACGTCTCTGAATAGATGGTATGAGGAGA[C>G]AGAGGCCTGCAATACCACCTCTTCCGGCTGCCTGGCCAGGCCTGCTGGGGCCCCAGGACA-3'
Protein context (NP_001041639.1, residues 43-63): QPEEVVLQAS[Val53Leu]SSYHLFRDVA